The following is an entry in ClinVar:

ClinVar aggregate classification (germline): Uncertain significance (1 of 4 stars; one submission).

Conditions:
Ataxia-telangiectasia syndrome (AT). Also called: ATAXIA-TELANGIECTASIA, COMPLEMENTATION GROUP A; ATAXIA-TELANGIECTASIA, FRESNO VARIANT; Ataxia-telangiectasia, complementation group D; AT, COMPLEMENTATION GROUP C; Cerebello-oculocutaneous telangiectasia; Immunodeficiency with ataxia telangiectasia. Identifiers: Orphanet 100, MedGen C0004135, MONDO:0008840, OMIM 208900.

Allele frequency attached by ClinVar (database versions not stated): gnomAD below 0.00001 and 0.00001.
gnomAD v4.1: 1 of 1,613,676 alleles (0.000062%); highest among the groups gnomAD compares: South Asian, 0.0011%; no homozygotes.

Submission:

Labcorp Genetics (formerly Invitae), Labcorp
Classification: Uncertain significance for Ataxia-telangiectasia syndrome. Last evaluated: 2024-04-15. Review status: criteria provided, single submitter. Criteria: Invitae Variant Classification Sherloc (09022015). Collection method: clinical testing. Allele origin: germline.
Comment: This sequence change replaces leucine, which is neutral and non-polar, with phenylalanine, which is neutral and non-polar, at codon 1901 of the ATM protein (p.Leu1901Phe). This variant is not present in population databases (gnomAD no frequency). This variant has not been reported in the literature in individuals affected with ATM-related conditions. ClinVar contains an entry for this variant (Variation ID: 1040497). An algorithm developed to predict the effect of missense changes on protein structure and function (PolyPhen-2) suggests that this variant is likely to be tolerated. Algorithms developed to predict the effect of sequence changes on RNA splicing suggest that this variant may disrupt the consensus splice site. In summary, the available evidence is currently insufficient to determine the role of this variant in disease. Therefore, it has been classified as a Variant of Uncertain Significance.

NM_000051.4(ATM):c.5703G>T (p.Leu1901Phe)

Gene: ATM (ATM serine/threonine kinase; plus strand). Cytogenetic location: 11q22.3.
Variant type: single nucleotide variant.
Coding change: c.5703G>T on transcript NM_000051.4 (MANE Select); coding-DNA position 5703, G replaced by T.
Protein change: p.Leu1901Phe; replaces leucine 1901 with phenylalanine.
Molecular consequence: missense variant.
Genome position (GRCh38, 1-based): chr11:108,307,925, G>T. VCF-style: chr11-108307925-G-T. GRCh37 (hg19) VCF-style: chr11-108178652-G-T.
Other names: c.5703G>T, p.Leu1901Phe (NM_001351834.2); short protein forms L1901F.
Identifiers: ClinVar variation 1040497 (VCV001040497.8), dbSNP rs756979112, ClinGen allele CA382547846.